The following is an entry in ClinVar:

ClinVar aggregate classification (germline): Uncertain significance (1 of 4 stars; one submission).

Submission:

Labcorp Genetics (formerly Invitae), Labcorp
Classification: Uncertain significance. Last evaluated: 2024-09-06. Review status: criteria provided, single submitter. Criteria: Invitae Variant Classification Sherloc (09022015). Collection method: clinical testing. Allele origin: germline.
Comment: This sequence change replaces aspartic acid, which is acidic and polar, with tyrosine, which is neutral and polar, at codon 2086 of the WDR87 protein (p.Asp2086Tyr). This variant is not present in population databases (gnomAD no frequency). This variant has not been reported in the literature in individuals affected with WDR87-related conditions. An algorithm developed to predict the effect of missense changes on protein structure and function (PolyPhen-2) suggests that this variant is likely to be disruptive. In summary, the available evidence is currently insufficient to determine the role of this variant in disease. Therefore, it has been classified as a Variant of Uncertain Significance.

NM_001291088.2(WDR87):c.6373G>T (p.Asp2125Tyr)

Gene: WDR87 (WD repeat domain 87; minus strand). Cytogenetic location: 19q13.13.
Variant type: single nucleotide variant.
Coding change: c.6373G>T on transcript NM_001291088.2 (MANE Select); coding-DNA position 6373, G replaced by T.
Protein change: p.Asp2125Tyr; replaces aspartic acid 2125 with tyrosine.
Molecular consequence: missense variant.
Genome position (GRCh38, 1-based): chr19:37,887,298, C>A on the plus strand (G>T on the coding strand, the complement: WDR87 is on the minus strand). VCF-style: chr19-37887298-C-A. GRCh37 (hg19) VCF-style: chr19-38377938-C-A.
Other names: c.6256G>T, p.Asp2086Tyr (NM_031951.5); short protein forms D2086Y, D2125Y.
Identifiers: ClinVar variation 3655297 (VCV003655297.2).
Genomic context (GRCh38, chr19:37,887,298, plus strand): 5'-CAAAGAGTGCCCTCTTCATCTTTGTCATTTTTATTTCTTCCTGTGTTAGTTTCCTTTCAT[C>A]CCTGGTTAGTTTTTGAAGTGCCTTTAAGATTTTGTTCAGTTTTGCTGGTTCCTTGGAAAG-3'
Protein context (NP_001278017.1, residues 2115-2135): ILKALQKLTR[Asp2125Tyr]ERKLTQEEIK